The following is an entry in ClinVar:

ClinVar aggregate classification (germline): Uncertain significance. Review status: criteria provided, multiple submitters, no conflicts (2 of 4 stars). 2 submissions from 2 submitters: Uncertain significance (2). Last evaluated 2023-06-26.

Conditions:
Familial hemophagocytic lymphohistiocytosis 3 (FHL3). Also called: UNC13D-Related Familial Hemophagocytic Lymphohistiocytosis (UNC13D-fHLH). Identifiers: Orphanet 540, MedGen C1837174, MONDO:0012146, OMIM 608898.

Allele frequency attached by ClinVar (database versions not stated): gnomAD 0.00002 and 0.00003; TOPMed 0.00002; gnomAD exomes 0.00003 and 0.00004; ExAC 0.00004.
gnomAD v4.1: 53 of 1,613,944 alleles (0.0033%); highest among the groups gnomAD compares: South Asian, 0.0099%; no homozygotes.

Submissions (2):

Women's Health and Genetics/Laboratory Corporation of America, LabCorp
Classification: Uncertain significance. Last evaluated: 2023-06-26. Review status: criteria provided, single submitter. Criteria: LabCorp Variant Classification Summary - May 2015. Collection method: clinical testing. Allele origin: germline.
Comment: Variant summary: UNC13D c.1933C>T (p.Arg645Trp) results in a non-conservative amino acid change in the encoded protein sequence. Four of five in-silico tools predict a damaging effect of the variant on protein function. The variant allele was found at a frequency of 4e-05 in 251326 control chromosomes. This frequency is not significantly higher than estimated for a pathogenic variant in UNC13D causing Familial Hemophagocytic Lymphohistiocytosis (4e-05 vs 0.0027), allowing no conclusion about variant significance. c.1933C>T has been reported in the literature in at least one individual with clinical features of Familial Hemophagocytic Lymphohistiocytosis (Vahidi_2019). To our knowledge, no experimental evidence demonstrating an impact on protein function has been reported. The following publication has been ascertained in the context of this evaluation (PMID: 32245292). One submitter has cited clinical-significance assessments for this variant to ClinVar after 2014 and has classified the variant as uncertain significance. Based on the evidence outlined above, the variant was classified as uncertain significance.

Labcorp Genetics (formerly Invitae), Labcorp
Classification: Uncertain significance for Familial hemophagocytic lymphohistiocytosis 3. Last evaluated: 2022-02-20. Review status: criteria provided, single submitter. Criteria: Invitae Variant Classification Sherloc (09022015). Collection method: clinical testing. Allele origin: germline.
Comment: This sequence change replaces arginine, which is basic and polar, with tryptophan, which is neutral and slightly polar, at codon 645 of the UNC13D protein (p.Arg645Trp). This variant is present in population databases (rs768266670, gnomAD 0.01%). This missense change has been observed in individual(s) with clinical features of hemophagocytic lymphohistiocytosis (PMID: 32245292). ClinVar contains an entry for this variant (Variation ID: 571953). Algorithms developed to predict the effect of missense changes on protein structure and function are either unavailable or do not agree on the potential impact of this missense change (SIFT: "Not Available"; PolyPhen-2: "Possibly Damaging"; Align-GVGD: "Not Available"). In summary, the available evidence is currently insufficient to determine the role of this variant in disease. Therefore, it has been classified as a Variant of Uncertain Significance.

Literature cited by the submitters: PubMed 32245292 (cited by Women's Health and Genetics/Laboratory Corporation of America, LabCorp and Labcorp Genetics (formerly Invitae), Labcorp).

NM_199242.3(UNC13D):c.1933C>T (p.Arg645Trp)

Gene: UNC13D (unc-13 homolog D; minus strand). Cytogenetic location: 17q25.1.
Variant type: single nucleotide variant.
Coding change: c.1933C>T on transcript NM_199242.3 (MANE Select); coding-DNA position 1933, C replaced by T.
Protein change: p.Arg645Trp; replaces arginine 645 with tryptophan.
Molecular consequence: missense variant.
Genome position (GRCh38, 1-based): chr17:75,834,979, G>A on the plus strand (C>T on the coding strand, the complement: UNC13D is on the minus strand). VCF-style: chr17-75834979-G-A. GRCh37 (hg19) VCF-style: chr17-73831060-G-A.
Other names: short protein forms R645W.
Identifiers: ClinVar variation 571953 (VCV000571953.6), dbSNP rs768266670, ClinGen allele CA8772745.